The following is an entry in ClinVar:

NM_022552.5(DNMT3A):c.1459T>C (p.Cys487Arg)

Gene: DNMT3A (DNA methyltransferase 3 alpha; minus strand). Cytogenetic location: 2p23.3.
Variant type: single nucleotide variant.
Coding change: c.1459T>C on transcript NM_022552.5 (MANE Select); coding-DNA position 1459, T replaced by C.
Protein change: p.Cys487Arg; replaces cysteine 487 with arginine.
Molecular consequence: missense variant. On other transcripts: non-coding transcript variant (1).
Genome position (GRCh38, 1-based): chr2:25,246,035, A>G on the plus strand (T>C on the coding strand, the complement: DNMT3A is on the minus strand). VCF-style: chr2-25246035-A-G. GRCh37 (hg19) VCF-style: chr2-25468904-A-G.
Other names: c.1003T>C, p.Cys335Arg (NM_001320893.1); c.790T>C, p.Cys264Arg (NM_001375819.1); c.892T>C, p.Cys298Arg (NM_153759.3); c.1459T>C, p.Cys487Arg (NM_175629.2); short protein forms C335R, C298R, C487R, C264R.
Identifiers: ClinVar variation 3504249 (VCV003504249.1).
Genomic context (GRCh38, chr2:25,246,035, plus strand): 5'-CCATGCCACACTAGGAGTGCCAGAGTTCCCAGGCAACAAACTTACCCTCAATGTTCCGGC[A>G]CTTCTGCCGCACCTCGTACACCAGCCGCTCTGCAAGGGGAGGAGAGCTGGCGTCAGAGGA-3'
Protein context (NP_072046.2, residues 477-497): ERLVYEVRQK[Cys487Arg]RNIEDICISC

ClinVar aggregate classification (germline): Uncertain significance (1 of 4 stars; one submission).

Conditions:
Inborn genetic diseases. Identifiers: MedGen C0950123, MeSH D030342.

gnomAD v4.1: 1 of 1,614,074 alleles (0.000062%); highest among the groups gnomAD compares: East Asian, 0.0022%; no homozygotes.

Submission:

Ambry Genetics
Classification: Uncertain significance for Inborn genetic diseases. Last evaluated: 2024-12-04. Review status: criteria provided, single submitter. Criteria: Ambry Variant Classification Scheme 2023. Collection method: clinical testing. Allele origin: germline.
Comment: The p.C487R variant (also known as c.1459T>C), located in coding exon 11 of the DNMT3A gene, results from a T to C substitution at nucleotide position 1459. The cysteine at codon 487 is replaced by arginine, an amino acid with highly dissimilar properties. This amino acid position is conserved. In addition, this alteration is predicted to be tolerated by in silico analysis. Based on the available evidence, the clinical significance of this variant remains unclear.